The following is an entry in ClinVar:

NM_022489.4(INF2):c.2879-20G>C

Gene: INF2 (inverted formin 2; plus strand). Cytogenetic location: 14q32.33.
Variant type: single nucleotide variant.
Coding change: c.2879-20G>C on transcript NM_022489.4 (MANE Select); 20 bases into the intron before coding-DNA position 2879, G replaced by C.
Molecular consequence: intron variant.
Genome position (GRCh38, 1-based): chr14:104,713,425, G>C. VCF-style: chr14-104713425-G-C. GRCh37 (hg19) VCF-style: chr14-105179762-G-C.
Other names: c.2879-20G>C (NM_001031714.4).
Identifiers: ClinVar variation 246545 (VCV000246545.9), dbSNP rs879254306, ClinGen allele CA10584487.

ClinVar aggregate classification (germline): Conflicting classifications of pathogenicity. Review status: criteria provided, conflicting classifications (1 of 4 stars). 2 submissions from 2 submitters: Uncertain significance (1); Likely benign (1). Last evaluated 2021-12-05.

Conditions:
Focal segmental glomerulosclerosis 5 (FSGS5). Identifiers: Orphanet 656, MedGen C2750475, MONDO:0013191, OMIM 613237.
Charcot-Marie-Tooth disease dominant intermediate E. Also called: CHARCOT-MARIE-TOOTH NEUROPATHY WITH FOCAL SEGMENTAL GLOMERULONEPHRITIS. Identifiers: Orphanet 93114, MedGen C4302667, MONDO:0013758, OMIM 614455.

Allele frequency attached by ClinVar (database versions not stated): gnomAD exomes below 0.00001 and 0.00001; TOPMed below 0.00001; gnomAD 0.00001.
gnomAD v4.1: 9 of 1,605,962 alleles (0.00056%); highest among the groups gnomAD compares: African/African-American, 0.0013%; no homozygotes.

Submissions (2):

Labcorp Genetics (formerly Invitae), Labcorp
Classification: Likely benign for Charcot-Marie-Tooth disease dominant intermediate E; Focal segmental glomerulosclerosis 5. Last evaluated: 2021-12-05. Review status: criteria provided, single submitter. Criteria: Invitae Variant Classification Sherloc (09022015). Collection method: clinical testing. Allele origin: germline.

GeneDx
Classification: Uncertain significance. Last evaluated: 2016-04-12. Review status: criteria provided, single submitter. Criteria: GeneDx Variant Classification (06012015). Collection method: clinical testing. Allele origin: germline. Affected: yes.
Comment: The c.2879-20 G>C variant has not been published as a pathogenic variant, nor has it been reported as a benign variant to our knowledge. The c.2879-20 G>C variant was not observed in approximately 6,200 individuals of European and African American ancestry in the NHLBI Exome Sequencing Project, indicating it is not a common benign variant in these populations. Several in-silico splice prediction models predict that c.2879-20 G>C creates a cryptic acceptor site upstream of the natural acceptor, which may supplant the natural acceptor site in intron 19 and lead to abnormal gene splicing. However, in the absence of RNA/functional studies, the actual effect of this sequence change in this individual is unknown. Therefore, based on the currently available information, it is unclear whether this variant is a pathogenic variant or a rare benign variant.